The following is an entry in ClinVar:

ClinVar aggregate classification (germline): Pathogenic (1 of 4 stars; one submission).

Submission:

Labcorp Genetics (formerly Invitae), Labcorp
Classification: Pathogenic. Last evaluated: 2022-10-17. Review status: criteria provided, single submitter. Criteria: Invitae Variant Classification Sherloc (09022015). Collection method: clinical testing. Allele origin: germline.
Comment: For these reasons, this variant has been classified as Pathogenic. This variant has not been reported in the literature in individuals affected with COL4A4-related conditions. This variant is not present in population databases (gnomAD no frequency). This sequence change creates a premature translational stop signal (p.Gly1236Argfs*17) in the COL4A4 gene. It is expected to result in an absent or disrupted protein product. Loss-of-function variants in COL4A4 are known to be pathogenic (PMID: 21196518, 24854265, 25307543).

Literature cited by the submitters: PubMed 21196518; PubMed 24854265; PubMed 25307543.

NM_000092.5(COL4A4):c.3704dup (p.Gly1236fs)

Gene: COL4A4 (collagen type IV alpha 4 chain; minus strand). Cytogenetic location: 2q36.3.
Variant type: Duplication.
Coding change: c.3704dup on transcript NM_000092.5 (MANE Select); coding-DNA position 3704, one base duplicated (C; older notation c.3704dupC).
Protein change: p.Gly1236fs; shifts the reading frame from glycine 1236.
Molecular consequence: frameshift variant.
Genome position (GRCh38, 1-based): chr2:227,032,150, G duplicated on the plus strand (C on the coding strand, the reverse complement: COL4A4 is on the minus strand); the first of 5 consecutive G bases (chr2:227,032,150-227,032,154); duplicating any one gives the same sequence. VCF-style (leftmost placement, unchanged base first): chr2-227032149-T-TG. GRCh37 (hg19) VCF-style: chr2-227896865-T-TG.
Other names: short protein forms G1236fs.
Identifiers: ClinVar variation 2035903 (VCV002035903.4), dbSNP rs754706338, ClinGen allele CA2144448.